The following is an entry in ClinVar:

ClinVar aggregate classification (germline): Uncertain significance. Review status: criteria provided, multiple submitters, no conflicts (2 of 4 stars). 2 submissions from 2 submitters: Uncertain significance (2). Last evaluated 2024-04-24.

Conditions:
Blau syndrome (BLAUS). Also called: ARTHROCUTANEOUVEAL GRANULOMATOSIS; GRANULOMATOSIS, FAMILIAL JUVENILE SYSTEMIC; GRANULOMATOSIS, FAMILIAL, BLAU TYPE; GRANULOMATOUS INFLAMMATORY ARTHRITIS, DERMATITIS, AND UVEITIS, FAMILIAL; JABS SYNDROME. Identifiers: Orphanet 90340, MedGen C5201146, MONDO:0008523, OMIM 186580.
Regional enteritis. Also called: Enteritis, Granulomatous. Identifiers: MedGen C0678202, MeSH D003424.

Submissions (2):

Revvity Omics, Revvity
Classification: Uncertain significance for Blau syndrome. Last evaluated: 2024-04-24. Review status: criteria provided, single submitter. Criteria: ACMG Guidelines, 2015. Collection method: clinical testing. Allele origin: germline.

Labcorp Genetics (formerly Invitae), Labcorp
Classification: Uncertain significance for Regional enteritis; Blau syndrome. Last evaluated: 2024-02-22. Review status: criteria provided, single submitter. Criteria: Invitae Variant Classification Sherloc (09022015). Collection method: clinical testing. Allele origin: germline.
Comment: This sequence change replaces asparagine, which is neutral and polar, with aspartic acid, which is acidic and polar, at codon 954 of the NOD2 protein (p.Asn954Asp). This variant is not present in population databases (gnomAD no frequency). This variant has not been reported in the literature in individuals affected with NOD2-related conditions. Advanced modeling of protein sequence and biophysical properties (such as structural, functional, and spatial information, amino acid conservation, physicochemical variation, residue mobility, and thermodynamic stability) performed at Invitae indicates that this missense variant is not expected to disrupt NOD2 protein function with a negative predictive value of 95%. In summary, the available evidence is currently insufficient to determine the role of this variant in disease. Therefore, it has been classified as a Variant of Uncertain Significance.

NM_001370466.1(NOD2):c.2779A>G (p.Asn927Asp)

Gene: NOD2 (nucleotide binding oligomerization domain containing 2; plus strand). Cytogenetic location: 16q12.1.
Variant type: single nucleotide variant.
Coding change: c.2779A>G on transcript NM_001370466.1 (MANE Select); coding-DNA position 2779, A replaced by G.
Protein change: p.Asn927Asp; replaces asparagine 927 with aspartic acid.
Molecular consequence: missense variant. On other transcripts: non-coding transcript variant (1).
Genome position (GRCh38, 1-based): chr16:50,723,362, A>G. VCF-style: chr16-50723362-A-G. GRCh37 (hg19) VCF-style: chr16-50757273-A-G.
Other names: c.2779A>G, p.Asn927Asp (NM_001293557.2); c.2860A>G, p.Asn954Asp (NM_022162.3); short protein forms N927D, N954D.
Identifiers: ClinVar variation 3754230 (VCV003754230.3).